The following is an entry in ClinVar:

NM_177438.3(DICER1):c.2830C>T (p.Arg944Ter)

Gene: DICER1 (dicer 1, ribonuclease III; minus strand). Cytogenetic location: 14q32.13.
Variant type: single nucleotide variant.
Coding change: c.2830C>T on transcript NM_177438.3 (MANE Select); coding-DNA position 2830, C replaced by T.
Protein change: p.Arg944Ter; replaces arginine 944 with a stop codon.
Molecular consequence: nonsense.
Genome position (GRCh38, 1-based): chr14:95,106,198, G>A on the plus strand (C>T on the coding strand, the complement: DICER1 is on the minus strand). VCF-style: chr14-95106198-G-A. GRCh37 (hg19) VCF-style: chr14-95572535-G-A.
Other names: R934*; NP_803187.1:p.R944*; c.2830C>T, p.Arg944Ter (NM_001195573.1, NM_001271282.3, NM_001291628.2 and 1 more transcripts); short protein forms R944*.
Identifiers: ClinVar variation 4470 (VCV000004470.20), dbSNP rs137852978, ClinGen allele CA212577.

ClinVar aggregate classification (germline): Pathogenic. Review status: criteria provided, multiple submitters, no conflicts (2 of 4 stars). 8 submissions from 8 submitters: Pathogenic (7). 1 of the submissions does not count toward it. Last evaluated 2026-03-03.

Conditions:
DICER1-related disorder. Also called: DICER1-related condition.
Hereditary cancer-predisposing syndrome. Also called: Tumor predisposition; Hereditary neoplastic syndrome; Hereditary Cancer Syndrome; Neoplastic Syndromes, Hereditary. Identifiers: Orphanet 140162, MedGen C0027672, MeSH D009386, MONDO:0015356.
DICER1-related tumor predisposition. Also called: DICER1-related pleuropulmonary blastoma cancer predisposition syndrome; DICER1 syndrome. Identifiers: Orphanet 284343, MedGen C3839822, MONDO:0100216.
Pleuropulmonary blastoma (PPB). Identifiers: Orphanet 64742, MedGen C1266144, MONDO:0011014, OMIM 601200, HP:0100528.

Allele frequency attached by ClinVar (database versions not stated): gnomAD exomes below 0.00001.
gnomAD v4.1: 1 of 1,613,844 alleles (0.000062%); highest among the groups gnomAD compares: Non-Finnish European, 0.000085%; no homozygotes.

Submissions (8):

Myriad Genetics, Inc.
Classification: Pathogenic for DICER1-related tumor predisposition. Last evaluated: 2026-03-03. Review status: criteria provided, single submitter. Criteria: Myriad Autosomal Dominant, Autosomal Recessive and X-Linked Classification Criteria (2023). Collection method: clinical testing. Allele origin: unknown.
Comment: This variant is considered pathogenic. This variant creates a termination codon and is predicted to result in premature protein truncation.

Labcorp Genetics (formerly Invitae), Labcorp
Classification: Pathogenic for DICER1-related tumor predisposition. Last evaluated: 2025-08-03. Review status: criteria provided, single submitter. Criteria: Invitae Variant Classification Sherloc (09022015). Collection method: clinical testing. Allele origin: germline.
Comment: This sequence change creates a premature translational stop signal (p.Arg944*) in the DICER1 gene. It is expected to result in an absent or disrupted protein product. Loss-of-function variants in DICER1 are known to be pathogenic (PMID: 19556464, 21266384). This variant is not present in population databases (gnomAD no frequency). This premature translational stop signal has been observed in individual(s) with clinical features of DICER1-related pleuropulmonary blastoma familial tumor predisposition syndrome (PMID: 19556464, 26925222, 28323992, 30178239). This variant is also known as 3012C>T R934X. ClinVar contains an entry for this variant (Variation ID: 4470). For these reasons, this variant has been classified as Pathogenic.

Blueprint Genetics
Classification: Pathogenic for DICER1-related disorders. Last evaluated: 2024-08-26. Review status: criteria provided, single submitter. Criteria: ACMG Guidelines, 2015. Collection method: clinical testing. Allele origin: germline. Affected: yes. Observed: 1 variant allele.

GeneDx
Classification: Pathogenic. Last evaluated: 2024-03-11. Review status: criteria provided, single submitter. Criteria: GeneDx Variant Classification Process June 2021. Collection method: clinical testing. Allele origin: germline. Affected: yes.
Comment: Nonsense variant predicted to result in protein truncation or nonsense mediated decay in a gene for which loss of function is a known mechanism of disease; Not observed at significant frequency in large population cohorts (gnomAD); This variant is associated with the following publications: (PMID: 25525159, 19556464, 34008223, 28323992, Pukett_2015, 30178239)

Ambry Genetics
Classification: Pathogenic for Hereditary cancer-predisposing syndrome. Last evaluated: 2020-06-25. Review status: criteria provided, single submitter. Criteria: Ambry Variant Classification Scheme 2023. Collection method: clinical testing. Allele origin: germline.
Comment: The p.R944* pathogenic mutation (also known as c.2830C>T), located in coding exon 17 of the DICER1 gene, results from a C to T substitution at nucleotide position 2830. This changes the amino acid from an arginine to a stop codon within coding exon 17. Designated as 3012C>T (R934X), this mutation was seen in a family with pleuropulmonary blastoma (Hill DA et al. Science 2009 Aug;325:965). In addition to the clinical data presented in the literature, this alteration is expected to result in loss of function by premature protein truncation or nonsense-mediated mRNA decay. As such, this alteration is interpreted as a disease-causing mutation.

Foulkes Cancer Genetics LDI, Lady Davis Institute for Medical Research
Classification: Pathogenic for Pleuropulmonary blastoma. Last evaluated: 2019-07-01. Review status: criteria provided, single submitter. Criteria: ACMG Guidelines, 2015. Collection method: curation. Allele origin: germline. Affected: yes. Observed: 6 variant alleles.
Comment: ACMG criteria met: PVS1, PM2, PP4

International Pleuropulmonary Blastoma Registry, Children's Hospitals and Clinics of Minnesota
Classification: Pathogenic for Pleuropulmonary blastoma. Last evaluated: 2014-11-10. Review status: criteria provided, single submitter. Criteria: Hill et al. (Science. 2009). Collection method: clinical testing. Allele origin: germline. Affected: yes. Study: PPB-DICER1 Genetic study.

OMIM
Classification: Pathogenic for PLEUROPULMONARY BLASTOMA. Last evaluated: 2009-08-21. Review status: no assertion criteria provided. Collection method: literature only. Allele origin: germline. Not counted in ClinVar's aggregate classification.

Literature cited by the submitters: PubMed 19556464 (cited by 4 submitters); PubMed 21266384 (cited by Labcorp Genetics (formerly Invitae), Labcorp); PubMed 26925222 (cited by 3 submitters); PubMed 28323992 (cited by Labcorp Genetics (formerly Invitae), Labcorp and Foulkes Cancer Genetics LDI, Lady Davis Institute for Medical Research); PubMed 30178239 (cited by Labcorp Genetics (formerly Invitae), Labcorp and Ambry Genetics).